The following is an entry in ClinVar:

NM_001369.3(DNAH5):c.7469G>A (p.Trp2490Ter)

Gene: DNAH5 (dynein axonemal heavy chain 5; minus strand). Cytogenetic location: 5p15.2.
Variant type: single nucleotide variant.
Coding change: c.7469G>A on transcript NM_001369.3 (MANE Select); coding-DNA position 7469, G replaced by A.
Protein change: p.Trp2490Ter; replaces tryptophan 2490 with a stop codon.
Molecular consequence: nonsense.
Genome position (GRCh38, 1-based): chr5:13,810,199, C>T on the plus strand (G>A on the coding strand, the complement: DNAH5 is on the minus strand). VCF-style: chr5-13810199-C-T. GRCh37 (hg19) VCF-style: chr5-13810308-C-T.
Other names: short protein forms W2490*.
Identifiers: ClinVar variation 2982243 (VCV002982243.3), dbSNP rs2546806644, ClinGen allele CA359232202.
Genomic context (GRCh38, chr5:13,810,199, plus strand): 5'-GAGCGCAGCCAGAGCTCCAGGCGGCGCCGTCCGTCCAGCTCCAGCGCCGCCCCCGCGCTC[C>T]ACAGCAGCGCGAACACGAACAGCCGCCCCAGGTGAGCCTGGCTCACCTCCCCGCCTTGCT-3'

ClinVar aggregate classification (germline): Pathogenic (1 of 4 stars; one submission).

Conditions:
Primary ciliary dyskinesia. Also called: Ciliary dyskinesia. Identifiers: Orphanet 244, MedGen C0008780, MONDO:0016575, HP:0012265.

Submission:

Labcorp Genetics (formerly Invitae), Labcorp
Classification: Pathogenic for Primary ciliary dyskinesia. Last evaluated: 2023-12-19. Review status: criteria provided, single submitter. Criteria: Invitae Variant Classification Sherloc (09022015). Collection method: clinical testing. Allele origin: germline.
Comment: This sequence change creates a premature translational stop signal (p.Trp2490*) in the DNAH5 gene. It is expected to result in an absent or disrupted protein product. Loss-of-function variants in DNAH5 are known to be pathogenic (PMID: 11788826, 16627867). This variant is not present in population databases (gnomAD no frequency). This premature translational stop signal has been observed in individual(s) with primary ciliary dyskinesia (PMID: 32502479). For these reasons, this variant has been classified as Pathogenic.

Literature cited by the submitters: PubMed 11788826; PubMed 16627867; PubMed 32502479.